The following is an entry in ClinVar:

NM_024422.6(DSC2):c.1892C>T (p.Thr631Ile)

Gene: DSC2 (desmocollin 2; minus strand). Cytogenetic location: 18q12.1.
Variant type: single nucleotide variant.
Coding change: c.1892C>T on transcript NM_024422.6 (MANE Select); coding-DNA position 1892, C replaced by T.
Protein change: p.Thr631Ile; replaces threonine 631 with isoleucine.
Molecular consequence: missense variant.
Genome position (GRCh38, 1-based): chr18:31,071,838, G>A on the plus strand (C>T on the coding strand, the complement: DSC2 is on the minus strand). VCF-style: chr18-31071838-G-A. GRCh37 (hg19) VCF-style: chr18-28651804-G-A.
Other names: c.1463C>T, p.Thr488Ile (NM_001406506.1, NM_001406507.1); c.1892C>T, p.Thr631Ile (NM_004949.5); short protein forms T488I, T631I.
Identifiers: ClinVar variation 2419128 (VCV002419128.8), dbSNP rs542585921, ClinGen allele CA033806.

ClinVar aggregate classification (germline): Uncertain significance. Review status: criteria provided, multiple submitters, no conflicts (2 of 4 stars). 2 submissions from 2 submitters: Uncertain significance (2). Last evaluated 2024-10-09.

Conditions:
Arrhythmogenic right ventricular dysplasia 11. Also called: Arrhythmogenic Right Ventricular Dysplasia/Cardiomyopathy11; ARRHYTHMOGENIC RIGHT VENTRICULAR DYSPLASIA, FAMILIAL, 11; Arrhythmogenic right ventricular dysplasia 11 with mild palmoplantar keratoderma and woolly hair. Identifiers: MedGen C1864850, MONDO:0012506, OMIM 610476.
Cardiomyopathy (CMYO). Also called: Cardiomyopathies. Identifiers: Orphanet 167848, MedGen C0878544, MONDO:0004994, HP:0001638. Inheritance: Various modes of inheritance.

Allele frequency attached by ClinVar (database versions not stated): 1000 Genomes Project 30x 0.00031; 1000 Genomes Project 0.00020; ExAC 0.00001; gnomAD 0.00001.

Submissions (2):

Labcorp Genetics (formerly Invitae), Labcorp
Classification: Uncertain significance for Arrhythmogenic right ventricular dysplasia 11. Last evaluated: 2024-10-09. Review status: criteria provided, single submitter. Criteria: Invitae Variant Classification Sherloc (09022015). Collection method: clinical testing. Allele origin: germline.
Comment: This sequence change replaces threonine, which is neutral and polar, with isoleucine, which is neutral and non-polar, at codon 631 of the DSC2 protein (p.Thr631Ile). This variant is present in population databases (rs542585921, gnomAD 0.003%). This missense change has been observed in individual(s) with clinical features of DSC2-related conditions (PMID: 26272908). ClinVar contains an entry for this variant (Variation ID: 2419128). Invitae Evidence Modeling of protein sequence and biophysical properties (such as structural, functional, and spatial information, amino acid conservation, physicochemical variation, residue mobility, and thermodynamic stability) indicates that this missense variant is expected to disrupt DSC2 protein function with a positive predictive value of 80%. In summary, the available evidence is currently insufficient to determine the role of this variant in disease. Therefore, it has been classified as a Variant of Uncertain Significance.

Color Diagnostics, LLC DBA Color Health
Classification: Uncertain significance for Cardiomyopathy. Last evaluated: 2023-08-31. Review status: criteria provided, single submitter. Criteria: ACMG Guidelines, 2015. Collection method: clinical testing. Allele origin: germline.
Comment: This missense variant replaces threonine with isoleucine at codon 631 of the DSC2 protein. Computational prediction suggests that this variant may not impact protein structure and function (internally defined REVEL score threshold <= 0.5, PMID: 27666373). To our knowledge, functional studies have not been reported for this variant. This variant has been reported in an individual affected with sudden infant death (PMID: 26272908). This variant has been identified in 2/249784 chromosomes in the general population by the Genome Aggregation Database (gnomAD). The available evidence is insufficient to determine the role of this variant in disease conclusively. Therefore, this variant is classified as a Variant of Uncertain Significance.

Literature cited by the submitters: PubMed 26272908 (cited by Labcorp Genetics (formerly Invitae), Labcorp and Color Diagnostics, LLC DBA Color Health).